The following is an entry in ClinVar:

ClinVar aggregate classification (germline): Uncertain significance (1 of 4 stars; one submission).

Submission:

Labcorp Genetics (formerly Invitae), Labcorp
Classification: Uncertain significance. Last evaluated: 2022-11-01. Review status: criteria provided, single submitter. Criteria: Invitae Variant Classification Sherloc (09022015). Collection method: clinical testing. Allele origin: germline.
Comment: This sequence change falls in intron 48 of the COL7A1 gene. It does not directly change the encoded amino acid sequence of the COL7A1 protein. This variant is not present in population databases (gnomAD no frequency). This variant has not been reported in the literature in individuals affected with COL7A1-related conditions. Algorithms developed to predict the effect of sequence changes on RNA splicing suggest that this variant may disrupt the consensus splice site. In summary, the available evidence is currently insufficient to determine the role of this variant in disease. Therefore, it has been classified as a Variant of Uncertain Significance.

NM_000094.4(COL7A1):c.4723-7T>G

Gene: COL7A1 (collagen type VII alpha 1 chain; minus strand). Cytogenetic location: 3p21.31.
Variant type: single nucleotide variant.
Coding change: c.4723-7T>G on transcript NM_000094.4 (MANE Select); 7 bases into the intron before coding-DNA position 4723, T replaced by G.
Molecular consequence: intron variant.
Genome position (GRCh38, 1-based): chr3:48,581,639, A>C on the plus strand (T>G on the coding strand, the complement: COL7A1 is on the minus strand). VCF-style: chr3-48581639-A-C. GRCh37 (hg19) VCF-style: chr3-48619072-A-C.
Identifiers: ClinVar variation 2005284 (VCV002005284.4), dbSNP rs2531109212, ClinGen allele CA2580070004.